The following is an entry in ClinVar:

ClinVar aggregate classification (germline): Uncertain significance. Review status: criteria provided, multiple submitters, no conflicts (2 of 4 stars). 3 submissions from 3 submitters: Uncertain significance (3). Last evaluated 2025-03-20.

Conditions:
PHKB-related disorder. Also called: PHKB-related condition.
Inborn genetic diseases. Identifiers: MedGen C0950123, MeSH D030342.

Allele frequency attached by ClinVar (database versions not stated): gnomAD 0.00003; TOPMed 0.00006; ExAC 0.00009; ESP Exome Variant Server 0.00023; gnomAD exomes 0.00028.
gnomAD v4.1: 408 of 1,612,414 alleles (0.025%); highest among the groups gnomAD compares: Non-Finnish European, 0.034%; no homozygotes.

Submissions (3):

PreventionGenetics, part of Exact Sciences
Classification: Uncertain significance for PHKB-related condition. Last evaluated: 2025-03-20. Review status: criteria provided, single submitter. Criteria: ACMG Guidelines, 2015. Collection method: clinical testing. Allele origin: germline.
Comment: The PHKB c.26C>T variant is predicted to result in the amino acid substitution p.Ala9Val. To our knowledge, this variant has not been reported in the literature. This variant is reported in 0.019% of alleles in individuals of European (Non-Finnish) descent in gnomAD. At this time, the clinical significance of this variant is uncertain due to the absence of conclusive functional and genetic evidence.

Blueprint Genetics
Classification: Uncertain significance. Last evaluated: 2022-11-28. Review status: criteria provided, single submitter. Criteria: ACMG Guidelines, 2015. Collection method: clinical testing. Allele origin: germline.

Ambry Genetics
Classification: Uncertain significance for Inborn genetic diseases. Last evaluated: 2021-07-14. Review status: criteria provided, single submitter. Criteria: Ambry Variant Classification Scheme 2023. Collection method: clinical testing. Allele origin: germline.

NM_000293.3(PHKB):c.26C>T (p.Ala9Val)

Genes: PHKB (phosphorylase kinase regulatory subunit beta; plus strand), LOC130058947 (ATAC-STARR-seq lymphoblastoid silent region 7451; plus strand). Cytogenetic location: 16q12.1.
Variant type: single nucleotide variant.
Coding change: c.26C>T on transcript NM_000293.3 (MANE Select); coding-DNA position 26, C replaced by T.
Protein change: p.Ala9Val; replaces alanine 9 with valine.
Molecular consequence: missense variant. On other transcripts: 5 prime UTR variant (1).
Genome position (GRCh38, 1-based): chr16:47,461,376, C>T. VCF-style: chr16-47461376-C-T. GRCh37 (hg19) VCF-style: chr16-47495287-C-T.
Other names: c.-108C>T (NM_001031835.3); c.26C>T, p.Ala9Val (NM_001363837.1); short protein forms A9V.
Identifiers: ClinVar variation 3212237 (VCV003212237.3), dbSNP rs201500282, ClinGen allele CA8040311.